The following is an entry in ClinVar:

NM_198173.3(GRHL3):c.916C>T (p.Arg306Trp)

Gene: GRHL3 (grainyhead like transcription factor 3; plus strand). Cytogenetic location: 1p36.11.
Variant type: single nucleotide variant.
Coding change: c.916C>T on transcript NM_198173.3 (MANE Select); coding-DNA position 916, C replaced by T.
Protein change: p.Arg306Trp; replaces arginine 306 with tryptophan.
Molecular consequence: missense variant.
Genome position (GRCh38, 1-based): chr1:24,338,067, C>T. VCF-style: chr1-24338067-C-T. GRCh37 (hg19) VCF-style: chr1-24664557-C-T.
Other names: c.778C>T, p.Arg260Trp (NM_001195010.2); c.931C>T, p.Arg311Trp (NM_021180.4); c.916C>T, p.Arg306Trp (NM_198174.3); short protein forms R260W, R306W, R311W.
Identifiers: ClinVar variation 4858203 (VCV004858203.1).

ClinVar aggregate classification (germline): Uncertain significance (1 of 4 stars; one submission).

Conditions:
Inborn genetic diseases. Identifiers: MedGen C0950123, MeSH D030342.

gnomAD v4.1: 16 of 1,612,732 alleles (0.00099%); highest among the groups gnomAD compares: East Asian, 0.0022%; no homozygotes.

Submission:

Ambry Genetics
Classification: Uncertain significance for Inborn genetic diseases. Last evaluated: 2026-04-15. Review status: criteria provided, single submitter. Criteria: Ambry Variant Classification Scheme 2023. Collection method: clinical testing. Allele origin: germline.
Comment: The c.916C>T (p.R306W) alteration is located in exon 7 (coding exon 7) of the GRHL3 gene. This alteration results from a C to T substitution at nucleotide position 916, causing the arginine (R) at amino acid position 306 to be replaced by a tryptophan (W). Based on data from gnomAD, the T allele has an overall frequency of <0.001% (1/249818) total alleles studied. The highest observed frequency was <0.001% (/) of alleles. Based on insufficient or conflicting evidence, the clinical significance of this alteration remains unclear.